The following is an entry in ClinVar:

ClinVar aggregate classification (germline): Uncertain significance (1 of 4 stars; one submission).

Submission:

Women's Health and Genetics/Laboratory Corporation of America, LabCorp
Classification: Uncertain significance. Last evaluated: 2025-10-28. Review status: criteria provided, single submitter. Criteria: LabCorp Variant Classification Summary - May 2015. Collection method: clinical testing. Allele origin: germline.
Comment: Variant summary: CHD8 c.832A>C (p.Thr278Pro) results in a non-conservative amino acid change in the encoded protein sequence. Algorithms developed to predict the effect of missense changes on protein structure and function are either unavailable or do not agree on the potential impact of this missense change. The variant was absent in 232482 control chromosomes. The available data on variant occurrences in the general population are insufficient to allow any conclusion about variant significance. To our knowledge, no occurrence of c.832A>C in individuals affected with CHD8-related conditions and no experimental evidence demonstrating its impact on protein function have been reported. No submitters have cited clinical-significance assessments for this variant to ClinVar. Based on the evidence outlined above, the variant was classified as uncertain significance.

NM_001170629.2(CHD8):c.832A>C (p.Thr278Pro)

Gene: CHD8 (chromodomain helicase DNA binding protein 8; minus strand). Cytogenetic location: 14q11.2.
Variant type: single nucleotide variant.
Coding change: c.832A>C on transcript NM_001170629.2 (MANE Select); coding-DNA position 832, A replaced by C.
Protein change: p.Thr278Pro; replaces threonine 278 with proline.
Molecular consequence: missense variant. On other transcripts: intron variant (1).
Genome position (GRCh38, 1-based): chr14:21,430,812, T>G on the plus strand (A>C on the coding strand, the complement: CHD8 is on the minus strand). VCF-style: chr14-21430812-T-G. GRCh37 (hg19) VCF-style: chr14-21898971-T-G.
Other names: c.6+999A>C (NM_020920.4); short protein forms T278P.
Identifiers: ClinVar variation 4687689 (VCV004687689.1).
Genomic context (GRCh38, chr14:21,430,812, plus strand): 5'-TGGGCCCTCTATGAAACCAAAATTCACCTCCCCCTTTCACTCAAGTCACCTGGGTAGGTG[T>G]AGAGGTCAGTGTAACTGCAGGCTTCAGTGGGGGCCCTGTGGCCCCAGGGTTTCCAGCAGG-3'
Protein context (NP_001164100.1, residues 268-288): PLKPAVTLTS[Thr278Pro]PTQGESKRIT